The following is an entry in ClinVar:

ClinVar aggregate classification (germline): Uncertain significance (1 of 4 stars; one submission).

Conditions:
Hereditary cancer-predisposing syndrome. Also called: Hereditary Cancer Syndrome; Hereditary neoplastic syndrome; Neoplastic Syndromes, Hereditary; Tumor predisposition. Identifiers: Orphanet 140162, MedGen C0027672, MeSH D009386, MONDO:0015356.

Submission:

Labcorp Genetics (formerly Invitae), Labcorp
Classification: Uncertain significance for Hereditary cancer-predisposing syndrome. Last evaluated: 2016-10-25. Review status: criteria provided, single submitter. Criteria: Invitae Variant Classification Sherloc (09022015). Collection method: clinical testing. Allele origin: germline.
Comment: This sequence change replaces tyrosine with aspartic acid at codon 1155 of the RAD50 protein (p.Tyr1155Asp). The tyrosine residue is highly conserved and there is a large physicochemical difference between tyrosine and aspartic acid. This variant is not present in population databases (ExAC no frequency) and has not been reported in the literature in individuals with a RAD50-related disease. Algorithms developed to predict the effect of missense changes on protein structure and function do not agree on the potential impact of this missense change (SIFT: "Deleterious"; PolyPhen-2: "Probably Damaging"; Align-GVGD: "Class C0"). In summary, this variant is a novel missense change with uncertain impact on protein function. It has been classified as a Variant of Uncertain Significance.

NM_005732.4(RAD50):c.3463T>G (p.Tyr1155Asp)

Genes: TH2-LCR (Th2 cytokine locus control region; plus strand), TH2LCRR (T helper type 2 locus control region associated RNA; minus strand), RAD50 (RAD50 double strand break repair protein; plus strand). Cytogenetic location: 5q31.1.
Variant type: single nucleotide variant.
Coding change: c.3463T>G on transcript NM_005732.4 (MANE Select); coding-DNA position 3463, T replaced by G.
Protein change: p.Tyr1155Asp; replaces tyrosine 1155 with aspartic acid.
Molecular consequence: missense variant.
Genome position (GRCh38, 1-based): chr5:132,637,188, T>G. VCF-style: chr5-132637188-T-G. GRCh37 (hg19) VCF-style: chr5-131972880-T-G.
Other names: short protein forms Y1155D.
Identifiers: ClinVar variation 408406 (VCV000408406.9), dbSNP rs762302203, ClinGen allele CA16611994.